The following is an entry in ClinVar:

NM_000271.5(NPC1):c.3736_3739del (p.Val1246fs)

Gene: NPC1 (NPC intracellular cholesterol transporter 1; minus strand). Cytogenetic location: 18q11.2.
Variant type: Deletion.
Coding change: c.3736_3739del on transcript NM_000271.5 (MANE Select); coding-DNA positions 3736 to 3739, 4 bases deleted (GTCT; older notation c.3736_3739delGTCT).
Protein change: p.Val1246fs; shifts the reading frame from valine 1246.
Molecular consequence: frameshift variant.
Genome position (GRCh38, 1-based): chr18:23,533,370-23,533,373, AGAC deleted on the plus strand (GTCT on the coding strand, the reverse complement: NPC1 is on the minus strand); deleting any 4 consecutive bases within chr18:23,533,370-23,533,375 gives the same sequence; the c. name uses the placement nearest the transcript's 3' end. VCF-style (leftmost placement, unchanged base first): chr18-23533369-AAGAC-A. GRCh37 (hg19) VCF-style: chr18-21113333-AAGAC-A.
Other names: short protein forms V1246fs.
Identifiers: ClinVar variation 4733455 (VCV004733455.1).

ClinVar aggregate classification (germline): Pathogenic (1 of 4 stars; one submission).

Conditions:
Niemann-Pick disease, type C1. Also called: NEUROVISCERAL STORAGE DISEASE WITH VERTICAL SUPRANUCLEAR OPHTHALMOPLEGIA; NIEMANN-PICK DISEASE WITH CHOLESTEROL ESTERIFICATION BLOCK; NIEMANN-PICK DISEASE WITHOUT SPHINGOMYELINASE DEFICIENCY; NIEMANN-PICK DISEASE, CHRONIC NEURONOPATHIC FORM; NIEMANN-PICK DISEASE, VARIANT TYPE C1. Identifiers: Orphanet 646, MedGen C3179455, MONDO:0009757, OMIM 257220.

Submission:

Labcorp Genetics (formerly Invitae), Labcorp
Classification: Pathogenic for Niemann-Pick disease, type C1. Last evaluated: 2025-12-29. Review status: criteria provided, single submitter. Criteria: Invitae Variant Classification Sherloc (09022015). Collection method: clinical testing. Allele origin: germline.
Comment: This sequence change creates a premature translational stop signal (p.Val1246Tyrfs*5) in the NPC1 gene. While this is not anticipated to result in nonsense mediated decay, it is expected to disrupt the last 33 amino acid(s) of the NPC1 protein. This variant is not present in population databases (gnomAD no frequency). This variant has not been reported in the literature in individuals affected with NPC1-related conditions. This variant disrupts a region of the NPC1 protein in which other variant(s) (p.Leu1248Valfs*3) have been determined to be pathogenic (PMID: 10521290, 19744920). This suggests that this is a clinically significant region of the protein, and that variants that disrupt it are likely to be disease-causing. For these reasons, this variant has been classified as Pathogenic.

Literature cited by the submitters: PubMed 10521290; PubMed 19744920.